The following is an entry in ClinVar:

NM_000487.6(ARSA):c.1128_1129dup (p.Phe377fs)

Gene: ARSA (arylsulfatase A; minus strand). Cytogenetic location: 22q13.33.
Variant type: Duplication.
Coding change: c.1128_1129dup on transcript NM_000487.6 (MANE Select); coding-DNA positions 1128 to 1129, 2 bases duplicated (CT; older notation c.1128_1129dupCT).
Protein change: p.Phe377fs; shifts the reading frame from phenylalanine 377.
Molecular consequence: frameshift variant.
Genome position (GRCh38, 1-based): chr22:50,625,660-50,625,661, AG duplicated on the plus strand (CT on the coding strand, the reverse complement: ARSA is on the minus strand); duplicating any 2 consecutive bases within chr22:50,625,660-50,625,662 gives the same sequence; the c. name uses the placement nearest the transcript's 3' end. VCF-style (leftmost placement, unchanged base first): chr22-50625659-A-AAG. GRCh37 (hg19) VCF-style: chr22-51064087-A-AAG.
Other names: c.1128_1129dup, p.Phe377fs (NM_001085425.3, NM_001085426.3, NM_001085427.3); c.870_871dup, p.Phe291fs (NM_001085428.3, NM_001362782.2); short protein forms F377fs, F291fs.
Identifiers: ClinVar variation 2022754 (VCV002022754.4), dbSNP rs2518324057, ClinGen allele CA2580100067.

ClinVar aggregate classification (germline): Pathogenic (1 of 4 stars; one submission).

Conditions:
Metachromatic leukodystrophy (MLD). Also called: ARSA DEFICIENCY; CEREBROSIDE SULFATASE DEFICIENCY; Arylsulfatase A Deficiency; METACHROMATIC LEUKOENCEPHALOPATHY; SULFATIDE LIPIDOSIS; Cerebral sclerosis diffuse metachromatic form. Identifiers: Orphanet 512, MedGen C0023522, MONDO:0018868, OMIM 250100.

Submission:

Labcorp Genetics (formerly Invitae), Labcorp
Classification: Pathogenic for Metachromatic leukodystrophy. Last evaluated: 2022-08-08. Review status: criteria provided, single submitter. Criteria: Invitae Variant Classification Sherloc (09022015). Collection method: clinical testing. Allele origin: germline.
Comment: For these reasons, this variant has been classified as Pathogenic. This variant disrupts a region of the ARSA protein in which other variant(s) (p.Cys491Gly) have been determined to be pathogenic (PMID: 15026521; Invitae). This suggests that this is a clinically significant region of the protein, and that variants that disrupt it are likely to be disease-causing. This variant has not been reported in the literature in individuals affected with ARSA-related conditions. This variant is not present in population databases (gnomAD no frequency). This sequence change creates a premature translational stop signal (p.Phe377Serfs*47) in the ARSA gene. While this is not anticipated to result in nonsense mediated decay, it is expected to disrupt the last 133 amino acid(s) of the ARSA protein.

Literature cited by the submitters: PubMed 15026521.